The following is an entry in ClinVar:

NM_006030.4(CACNA2D2):c.119C>A (p.Pro40His)

Gene: CACNA2D2 (calcium voltage-gated channel auxiliary subunit alpha2delta 2; minus strand). Cytogenetic location: 3p21.31.
Variant type: single nucleotide variant.
Coding change: c.119C>A on transcript NM_006030.4 (MANE Select); coding-DNA position 119, C replaced by A.
Protein change: p.Pro40His; replaces proline 40 with histidine.
Molecular consequence: missense variant. On other transcripts: intron variant (1).
Genome position (GRCh38, 1-based): chr3:50,503,305, G>T on the plus strand (C>A on the coding strand, the complement: CACNA2D2 is on the minus strand). VCF-style: chr3-50503305-G-T. GRCh37 (hg19) VCF-style: chr3-50540736-G-T.
Other names: c.119C>A, p.Pro40His (NM_001005505.3, NM_001174051.3); c.-2+764C>A (NM_001291101.1); short protein forms P40H.
Identifiers: ClinVar variation 1011885 (VCV001011885.6), dbSNP rs1575798996, ClinGen allele CA353000340.

ClinVar aggregate classification (germline): Uncertain significance (1 of 4 stars; one submission).

Conditions:
Early-infantile DEE. Also called: Ohtahara syndrome; Early infantile epileptic encephalopathy with suppression bursts; Early infantile epileptic encephalopathy. Identifiers: Orphanet 1934, MedGen C0393706, MONDO:0800491.

Submission:

Labcorp Genetics (formerly Invitae), Labcorp
Classification: Uncertain significance for Early-infantile DEE. Last evaluated: 2022-09-01. Review status: criteria provided, single submitter. Criteria: Invitae Variant Classification Sherloc (09022015). Collection method: clinical testing. Allele origin: germline.
Comment: In summary, the available evidence is currently insufficient to determine the role of this variant in disease. Therefore, it has been classified as a Variant of Uncertain Significance. Algorithms developed to predict the effect of missense changes on protein structure and function are either unavailable or do not agree on the potential impact of this missense change (SIFT: "Deleterious"; PolyPhen-2: "Not Available"; Align-GVGD: "Class C0"). ClinVar contains an entry for this variant (Variation ID: 1011885). This variant has not been reported in the literature in individuals affected with CACNA2D2-related conditions. This variant is not present in population databases (gnomAD no frequency). This sequence change replaces proline, which is neutral and non-polar, with histidine, which is basic and polar, at codon 40 of the CACNA2D2 protein (p.Pro40His).